The following is an entry in ClinVar:

ClinVar aggregate classification (germline): Uncertain significance. Review status: criteria provided, multiple submitters, no conflicts (2 of 4 stars). 2 submissions from 2 submitters: Uncertain significance (2). Last evaluated 2025-05-19.

Conditions:
Hereditary cancer-predisposing syndrome. Also called: Neoplastic Syndromes, Hereditary; Tumor predisposition; Hereditary Cancer Syndrome; Hereditary neoplastic syndrome. Identifiers: Orphanet 140162, MedGen C0027672, MeSH D009386, MONDO:0015356.
Gastrointestinal stromal tumor. Also called: Gastrointestinal stromal tumor, somatic; Gastrointestinal stroma tumor. Identifiers: Orphanet 44890, MedGen C0238198, MeSH D046152, MONDO:0011719, OMIM 606764, HP:0100723.
Pheochromocytoma/paraganglioma syndrome 3. Also called: GLOMUS TUMORS, FAMILIAL, 3; Paragangliomas 3; SDHC-Related Hereditary Paraganglioma-Pheochromocytoma Syndrome (Paragangliomas 3); SDHC-Related Hereditary Paraganglioma-Pheochromocytoma Syndrome. Identifiers: Orphanet 29072, MedGen C1854336, MONDO:0011544, OMIM 605373.

Submissions (2):

Labcorp Genetics (formerly Invitae), Labcorp
Classification: Uncertain significance for Pheochromocytoma/paraganglioma syndrome 3; Gastrointestinal stromal tumor. Last evaluated: 2025-05-19. Review status: criteria provided, single submitter. Criteria: Invitae Variant Classification Sherloc (09022015). Collection method: clinical testing. Allele origin: germline.
Comment: This sequence change replaces alanine, which is neutral and non-polar, with serine, which is neutral and polar, at codon 2 of the SDHC protein (p.Ala2Ser). This variant is not present in population databases (gnomAD no frequency). This variant has not been reported in the literature in individuals affected with SDHC-related conditions. ClinVar contains an entry for this variant (Variation ID: 3793598). An algorithm developed to predict the effect of missense changes on protein structure and function (PolyPhen-2) suggests that this variant is likely to be disruptive. In summary, the available evidence is currently insufficient to determine the role of this variant in disease. Therefore, it has been classified as a Variant of Uncertain Significance.

Ambry Genetics
Classification: Uncertain significance for Hereditary cancer-predisposing syndrome. Last evaluated: 2025-02-16. Review status: criteria provided, single submitter. Criteria: Ambry Variant Classification Scheme 2023. Collection method: clinical testing. Allele origin: germline.
Comment: The p.A2S variant (also known as c.4G>T), located in coding exon 1 of the SDHC gene, results from a G to T substitution at nucleotide position 4. The alanine at codon 2 is replaced by serine, an amino acid with similar properties. This amino acid position is conserved. In addition, this alteration is predicted to be deleterious by in silico analysis. Based on the available evidence, the clinical significance of this variant remains unclear.

NM_003001.5(SDHC):c.4G>T (p.Ala2Ser)

Gene: SDHC (succinate dehydrogenase complex subunit C; plus strand). Cytogenetic location: 1q23.3.
Variant type: single nucleotide variant.
Coding change: c.4G>T on transcript NM_003001.5 (MANE Select); coding-DNA position 4, G replaced by T.
Protein change: p.Ala2Ser; replaces alanine 2 with serine.
Molecular consequence: missense variant. On other transcripts: 5 prime UTR variant (2), non-coding transcript variant (1).
Genome position (GRCh38, 1-based): chr1:161,314,409, G>T. VCF-style: chr1-161314409-G-T. GRCh37 (hg19) VCF-style: chr1-161284199-G-T.
Other names: c.4G>T, p.Ala2Ser (NM_001035511.3, NM_001035512.3, NM_001035513.3 and 6 more transcripts); c.-557G>T (NM_001407119.1); c.-226G>T (NM_001407120.1); short protein forms A2S.
Identifiers: ClinVar variation 3793598 (VCV003793598.2).